The following is an entry in ClinVar:

ClinVar aggregate classification (germline): Likely benign (0 of 4 stars; one submission).

Conditions:
VPS13B-related disorder. Also called: VPS13B-related condition.

Submission:

PreventionGenetics, part of Exact Sciences
Classification: Likely benign for VPS13B-related condition. Last evaluated: 2021-11-03. Review status: no assertion criteria provided. Collection method: clinical testing. Allele origin: germline.
Comment: This variant is classified as likely benign based on ACMG/AMP sequence variant interpretation guidelines (Richards et al. 2015 PMID: 25741868, with internal and published modifications).

NM_152564.5(VPS13B):c.4745+8del

Gene: VPS13B (vacuolar protein sorting 13 homolog B; plus strand). Cytogenetic location: 8q22.2.
Variant type: Deletion.
Coding change: c.4745+8del on transcript NM_152564.5 (MANE Select); 8 bases into the intron after coding-DNA position 4745, one base deleted (T; older notation c.4745+8delT).
Molecular consequence: intron variant.
Genome position (GRCh38, 1-based): chr8:99,521,018, T deleted; the last of 3 consecutive T bases (chr8:99,521,016-99,521,018); deleting any one gives the same sequence. VCF-style (leftmost placement, unchanged base first): chr8-99521015-GT-G. GRCh37 (hg19) VCF-style: chr8-100533243-GT-G.
Other names: c.4820+8del (NM_017890.5).
Identifiers: ClinVar variation 3355613 (VCV003355613.1).